The following is an entry in ClinVar:

NM_012144.4(DNAI1):c.1704G>A (p.Trp568Ter)

Gene: DNAI1 (dynein axonemal intermediate chain 1; plus strand). Cytogenetic location: 9p13.3.
Variant type: single nucleotide variant.
Coding change: c.1704G>A on transcript NM_012144.4 (MANE Select); coding-DNA position 1704, G replaced by A.
Protein change: p.Trp568Ter; replaces tryptophan 568 with a stop codon.
Molecular consequence: nonsense.
Genome position (GRCh38, 1-based): chr9:34,514,528, G>A. VCF-style: chr9-34514528-G-A. GRCh37 (hg19) VCF-style: chr9-34514526-G-A.
Other names: c.1716G>A, p.Trp572Ter (NM_001281428.2); short protein forms W568*, W572*.
Identifiers: ClinVar variation 4815540 (VCV004815540.2).

ClinVar aggregate classification (germline): Pathogenic. Review status: criteria provided, multiple submitters, no conflicts (2 of 4 stars). 2 submissions from 2 submitters: Pathogenic (2). Last evaluated 2024-05-14.

Conditions:
Primary ciliary dyskinesia. Also called: Ciliary dyskinesia. Identifiers: Orphanet 244, MedGen C0008780, MONDO:0016575, HP:0012265.
Kartagener syndrome (CILD1). Also called: CILIARY DYSKINESIA, PRIMARY, 1; CILIARY DYSKINESIA, PRIMARY, 1, WITH OR WITHOUT SITUS INVERSUS; IMMOTILE CILIA SYNDROME; POLYNESIAN BRONCHIECTASIS; Dextrocardia bronchiectasis and sinusitis; SIEWERT SYNDROME. Identifiers: Orphanet 244, MedGen C4551906, MONDO:0009484, OMIM 244400.

gnomAD v4.1: 3 of 1,614,198 alleles (0.00019%); highest among the groups gnomAD compares: South Asian, 0.0033%; no homozygotes.

Submissions (2):

Myriad Genetics, Inc.
Classification: Pathogenic for Kartagener syndrome. Last evaluated: 2024-05-14. Review status: criteria provided, single submitter. Criteria: Myriad Autosomal Dominant, Autosomal Recessive and X-Linked Classification Criteria (2023). Collection method: clinical testing. Allele origin: unknown.
Comment: NM_012144.2(DNAI1):c.1704G>A(W568*) is expected to be pathogenic in the context of primary ciliary dyskinesia, DNAI1-related. This variant is predicted to lead to an abnormal or absent protein product due to the creation of a premature termination codon in DNAI1, a gene where loss-of-function variants are known to be pathogenic. Please note: this variant was assessed in the context of healthy population screening.

Natera, Inc.
Classification: Pathogenic for Primary ciliary dyskinesia. Last evaluated: 2024-03-19. Review status: criteria provided, single submitter. Criteria: Natera Variant Classification Schema (03/2026). Collection method: clinical testing. Allele origin: germline.
Comment: The c.1704G>A variant in DNAI1 is a nonsense variant predicted to introduce a stop codon at amino acid 568. This variant is expected to result in nonsense mediated decay, truncation, or a dysfunctional protein product. This variant is rare in the general population with a frequency below the threshold expected for the associated phenotype(s). This variant has been observed in one or more individuals affected with the associated recessive disease, as either homozygous or compound heterozygous with a second variant (PMID: 11713099). Given the available evidence, this variant is classified as Pathogenic.

Literature cited by the submitters: PubMed 11713099 (cited by Natera, Inc.).